The following is an entry in ClinVar:

ClinVar aggregate classification (germline): Uncertain significance (1 of 4 stars; one submission).

Allele frequency attached by ClinVar (database versions not stated): TOPMed 0.00001; gnomAD 0.00001.
gnomAD v4.1: 9 of 1,613,076 alleles (0.00056%); highest among the groups gnomAD compares: Non-Finnish European, 0.00076%; no homozygotes.

Submission:

GeneDx
Classification: Uncertain significance. Last evaluated: 2014-04-24. Review status: criteria provided, single submitter. Criteria: GeneDx Variant Classification (06012015). Collection method: clinical testing. Allele origin: germline. Affected: yes.
Comment: Missense variants in the TTN gene are considered 'unclassified' if they are not previously reported in the literature and do not have >1% frequency in the population to be considered a polymorphism. Research indicates that truncating mutations in the TTN gene are expected to account for approximately 25% of familial and 18% of sporadic idiopathic DCM; however, truncating variants in the TTN gene have been reported in approximately 3% of reported control alleles. There has been little investigation into non-truncating variants. (Herman D et al. Truncations of titin causing dilated cardiomyopathy. N Eng J Med 366:619-628, 2012) The variant is found in CARDIOMYOPATHY panel(s).

NM_001267550.2(TTN):c.69199G>T (p.Asp23067Tyr)

Genes: TTN-AS1 (TTN antisense RNA 1; plus strand), TTN (titin; minus strand). Cytogenetic location: 2q31.2.
Variant type: single nucleotide variant.
Coding change: c.69199G>T on transcript NM_001267550.2 (MANE Select); coding-DNA position 69199, G replaced by T.
Protein change: p.Asp23067Tyr; replaces aspartic acid 23067 with tyrosine.
Molecular consequence: missense variant.
Genome position (GRCh38, 1-based): chr2:178,577,136, C>A on the plus strand (G>T on the coding strand, the complement: TTN is on the minus strand). VCF-style: chr2-178577136-C-A. GRCh37 (hg19) VCF-style: chr2-179441863-C-A.
Other names: p.D21426Y:GAT>TAT; c.64276G>T, p.Asp21426Tyr (NM_001256850.1); c.42004G>T, p.Asp14002Tyr (NM_003319.4); c.61495G>T, p.Asp20499Tyr (NM_133378.4); c.42379G>T, p.Asp14127Tyr (NM_133432.3); c.42580G>T, p.Asp14194Tyr (NM_133437.4); short protein forms D21426Y, D23067Y, D20499Y, D14002Y, D14127Y, D14194Y.
Identifiers: ClinVar variation 202819 (VCV000202819.2), dbSNP rs794729485, ClinGen allele CA310385.
Genomic context (GRCh38, chr2:178,577,136, plus strand): 5'-ACAAAAGTCGGCTGGTTTCTCTCTTTTCAAGTATATAGGACTTAATTGGTGAGCCGCCAT[C>A]TTCCAAGGGAGGTGTCCATGTAAGTGTTGCTTTTTCAGCAGAAACATTACTGATTTCAAC-3'
Protein context (NP_001254479.2, residues 23057-23077): ATLTWTPPLE[Asp23067Tyr]GGSPIKSYIL